The following is an entry in ClinVar:

ClinVar aggregate classification (germline): Uncertain significance (1 of 4 stars; one submission).

Allele frequency attached by ClinVar (database versions not stated): gnomAD exomes 0.00001 and 0.00002.
gnomAD v4.1: 30 of 1,613,850 alleles (0.0019%); highest among the groups gnomAD compares: Non-Finnish European, 0.0024%; no homozygotes.

Submission:

Genetic Services Laboratory, University of Chicago
Classification: Uncertain significance. Last evaluated: 2021-08-06. Review status: criteria provided, single submitter. Criteria: ACMG Guidelines, 2015. Collection method: clinical testing. Allele origin: germline. Affected: no.
Comment: DNA sequence analysis of the SAMD9 gene demonstrated a sequence change, c.1051G>A, in exon 3 that results in an amino acid change, p.Asp351Asn. This sequence change does not appear to have been previously described in individuals with SAMD9-related disorders. This sequence change has been described in two non-Finnish European individuals only in the gnomAD population database (dbSNP rs1007550761). The p.Asp351Asn change affects a moderately conserved amino acid residue of the SAMD9 protein. The p.Asp351Asn substitution appears to be benign using several in-silico pathogenicity prediction tools (SIFT, PolyPhen2, Align GVGD, REVEL). Due to the lack of sufficient evidence, the clinical significance of the p.Asp351Asn change remains unknown at this time.

NM_017654.4(SAMD9):c.1051G>A (p.Asp351Asn)

Gene: SAMD9 (sterile alpha motif domain containing 9; minus strand). Cytogenetic location: 7q21.2.
Variant type: single nucleotide variant.
Coding change: c.1051G>A on transcript NM_017654.4 (MANE Select); coding-DNA position 1051, G replaced by A.
Protein change: p.Asp351Asn; replaces aspartic acid 351 with asparagine.
Molecular consequence: missense variant.
Genome position (GRCh38, 1-based): chr7:93,105,047, C>T on the plus strand (G>A on the coding strand, the complement: SAMD9 is on the minus strand). VCF-style: chr7-93105047-C-T. GRCh37 (hg19) VCF-style: chr7-92734360-C-T.
Other names: c.1051G>A, p.Asp351Asn (NM_001193307.2); short protein forms D351N.
Identifiers: ClinVar variation 1338055 (VCV001338055.4), dbSNP rs1007550761, ClinGen allele CA161994071.